The following is an entry in ClinVar:

ClinVar aggregate classification (germline): Uncertain significance (1 of 4 stars; one submission).

Conditions:
Spastic paraplegia. Identifiers: MedGen C0037772, HP:0001258.

Submission:

Labcorp Genetics (formerly Invitae), Labcorp
Classification: Uncertain significance for Spastic paraplegia. Last evaluated: 2025-01-06. Review status: criteria provided, single submitter. Criteria: Invitae Variant Classification Sherloc (09022015). Collection method: clinical testing. Allele origin: germline.
Comment: This sequence change replaces histidine, which is basic and polar, with glutamine, which is neutral and polar, at codon 472 of the KIF5A protein (p.His472Gln). This variant is not present in population databases (gnomAD no frequency). This variant has not been reported in the literature in individuals affected with KIF5A-related conditions. ClinVar contains an entry for this variant (Variation ID: 1714528). Invitae Evidence Modeling of protein sequence and biophysical properties (such as structural, functional, and spatial information, amino acid conservation, physicochemical variation, residue mobility, and thermodynamic stability) indicates that this missense variant is not expected to disrupt KIF5A protein function with a negative predictive value of 95%. In summary, the available evidence is currently insufficient to determine the role of this variant in disease. Therefore, it has been classified as a Variant of Uncertain Significance.

NM_004984.4(KIF5A):c.1416C>G (p.His472Gln)

Gene: KIF5A (kinesin family member 5A; plus strand). Cytogenetic location: 12q13.3.
Variant type: single nucleotide variant.
Coding change: c.1416C>G on transcript NM_004984.4 (MANE Select); coding-DNA position 1416, C replaced by G.
Protein change: p.His472Gln; replaces histidine 472 with glutamine.
Molecular consequence: missense variant.
Genome position (GRCh38, 1-based): chr12:57,572,114, C>G. VCF-style: chr12-57572114-C-G. GRCh37 (hg19) VCF-style: chr12-57965897-C-G.
Other names: c.1149C>G, p.His383Gln (NM_001354705.2); short protein forms H383Q, H472Q.
Identifiers: ClinVar variation 1714528 (VCV001714528.6), dbSNP rs2540504025, ClinGen allele CA385506228.